The following is an entry in ClinVar:

ClinVar aggregate classification (germline): Uncertain significance (1 of 4 stars; one submission).

Submission:

GeneDx
Classification: Uncertain significance. Last evaluated: 2020-03-10. Review status: criteria provided, single submitter. Criteria: GeneDx Variant Classification Process June 2021. Collection method: clinical testing. Allele origin: germline. Affected: yes.
Comment: Not observed in large population cohorts (Lek 2016); In silico analysis supports that this missense variant has a deleterious effect on protein structure/function; Has not been previously published as pathogenic or benign to our knowledge

NM_000535.7(PMS2):c.1010C>G (p.Thr337Ser)

Gene: PMS2 (PMS1 homolog 2, mismatch repair system component; minus strand). Cytogenetic location: 7p22.1.
Variant type: single nucleotide variant.
Coding change: c.1010C>G on transcript NM_000535.7 (MANE Select); coding-DNA position 1010, C replaced by G.
Protein change: p.Thr337Ser; replaces threonine 337 with serine.
Molecular consequence: missense variant. On other transcripts: non-coding transcript variant (1), intron variant (2).
Genome position (GRCh38, 1-based): chr7:5,989,934, G>C on the plus strand (C>G on the coding strand, the complement: PMS2 is on the minus strand). VCF-style: chr7-5989934-G-C. GRCh37 (hg19) VCF-style: chr7-6029565-G-C.
Other names: c.605C>G, p.Thr202Ser (NM_001322003.2, NM_001322004.2, NM_001322005.2 and 1 more transcripts); c.692C>G, p.Thr231Ser (NM_001322007.2, NM_001322008.2); c.77C>G, p.Thr26Ser (NM_001322011.2, NM_001322012.2); c.437C>G, p.Thr146Ser (NM_001322013.2); c.1010C>G, p.Thr337Ser (NM_001322014.2); c.701C>G, p.Thr234Ser (NM_001322015.2); c.583+2039C>G (NM_001322010.2); c.988+2039C>G (NM_001322006.2); short protein forms T146S, T202S, T231S, T234S, T26S, T337S.
Identifiers: ClinVar variation 1320895 (VCV001320895.2), dbSNP rs2128748739, ClinGen allele CA366742995.